The following is an entry in ClinVar:

ClinVar aggregate classification (germline): Uncertain significance (1 of 4 stars; one submission).

Allele frequency attached by ClinVar (database versions not stated): TOPMed below 0.00001; gnomAD 0.00001; gnomAD exomes 0.00001.
gnomAD v4.1: 16 of 1,614,020 alleles (0.00099%); highest among the groups gnomAD compares: Non-Finnish European, 0.0013%; no homozygotes.

Submission:

Labcorp Genetics (formerly Invitae), Labcorp
Classification: Uncertain significance. Last evaluated: 2022-11-07. Review status: criteria provided, single submitter. Criteria: Invitae Variant Classification Sherloc (09022015). Collection method: clinical testing. Allele origin: germline.
Comment: This variant has not been reported in the literature in individuals affected with SLC34A1-related conditions. This variant is present in population databases (no rsID available, gnomAD 0.0009%). This sequence change replaces phenylalanine, which is neutral and non-polar, with serine, which is neutral and polar, at codon 255 of the SLC34A1 protein (p.Phe255Ser). Advanced modeling of protein sequence and biophysical properties (such as structural, functional, and spatial information, amino acid conservation, physicochemical variation, residue mobility, and thermodynamic stability) performed at Invitae indicates that this missense variant is not expected to disrupt SLC34A1 protein function. In summary, the available evidence is currently insufficient to determine the role of this variant in disease. Therefore, it has been classified as a Variant of Uncertain Significance.

NM_003052.5(SLC34A1):c.764T>C (p.Phe255Ser)

Gene: SLC34A1 (solute carrier family 34 member 1; plus strand). Cytogenetic location: 5q35.3.
Variant type: single nucleotide variant.
Coding change: c.764T>C on transcript NM_003052.5 (MANE Select); coding-DNA position 764, T replaced by C.
Protein change: p.Phe255Ser; replaces phenylalanine 255 with serine.
Molecular consequence: missense variant.
Genome position (GRCh38, 1-based): chr5:177,388,113, T>C. VCF-style: chr5-177388113-T-C. GRCh37 (hg19) VCF-style: chr5-176815114-T-C.
Other names: c.764T>C, p.Phe255Ser (NM_001167579.2); short protein forms F255S.
Identifiers: ClinVar variation 2005824 (VCV002005824.4), dbSNP rs1445092148, ClinGen allele CA362365381.